The following is an entry in ClinVar:

NM_000256.3(MYBPC3):c.3376G>C (p.Val1126Leu)

Gene: MYBPC3 (myosin binding protein C3; minus strand). Cytogenetic location: 11p11.2.
Variant type: single nucleotide variant.
Coding change: c.3376G>C on transcript NM_000256.3 (MANE Select); coding-DNA position 3376, G replaced by C.
Protein change: p.Val1126Leu; replaces valine 1126 with leucine.
Molecular consequence: missense variant.
Genome position (GRCh38, 1-based): chr11:47,332,928, C>G on the plus strand (G>C on the coding strand, the complement: MYBPC3 is on the minus strand). VCF-style: chr11-47332928-C-G. GRCh37 (hg19) VCF-style: chr11-47354479-C-G.
Other names: short protein forms V1126L.
Identifiers: ClinVar variation 1329397 (VCV001329397.9), dbSNP rs1193029862, ClinGen allele CA380313730.

ClinVar aggregate classification (germline): Uncertain significance. Review status: criteria provided, multiple submitters, no conflicts (2 of 4 stars). 3 submissions from 3 submitters: Uncertain significance (3). Last evaluated 2025-08-24.

Conditions:
Cardiomyopathy (CMYO). Also called: Cardiomyopathies. Identifiers: Orphanet 167848, MedGen C0878544, MONDO:0004994, HP:0001638. Inheritance: Various modes of inheritance.
Hypertrophic cardiomyopathy. Also called: HYPERTROPHIC MYOCARDIOPATHY. Identifiers: Orphanet 217569, MedGen C0007194, MeSH D002312, MONDO:0005045, HP:0001639.

Allele frequency attached by ClinVar (database versions not stated): TOPMed 0.00001.

Submissions (3):

Color Diagnostics, LLC DBA Color Health
Classification: Uncertain significance for Cardiomyopathy. Last evaluated: 2025-08-24. Review status: criteria provided, single submitter. Criteria: ACMG Guidelines, 2015. Collection method: clinical testing. Allele origin: germline.
Comment: This missense variant replaces valine with leucine at codon 1126 of the MYBPC3 protein. Computational prediction suggests that this variant may not impact protein structure and function. To our knowledge, functional studies have not been reported for this variant. This variant has not been reported in individuals affected with MYBPC3-related disorders in the literature. This variant has not been identified in the general population by the Genome Aggregation Database (gnomAD). The available evidence is insufficient to determine the role of this variant in disease conclusively. Therefore, this variant is classified as a Variant of Uncertain Significance.

Labcorp Genetics (formerly Invitae), Labcorp
Classification: Uncertain significance for Hypertrophic cardiomyopathy. Last evaluated: 2025-01-19. Review status: criteria provided, single submitter. Criteria: Invitae Variant Classification Sherloc (09022015). Collection method: clinical testing. Allele origin: germline.
Comment: This sequence change replaces valine, which is neutral and non-polar, with leucine, which is neutral and non-polar, at codon 1126 of the MYBPC3 protein (p.Val1126Leu). This variant is not present in population databases (gnomAD no frequency). This variant has not been reported in the literature in individuals affected with MYBPC3-related conditions. ClinVar contains an entry for this variant (Variation ID: 1329397). An algorithm developed to predict the effect of missense changes on protein structure and function (PolyPhen-2) suggests that this variant is likely to be disruptive. In summary, the available evidence is currently insufficient to determine the role of this variant in disease. Therefore, it has been classified as a Variant of Uncertain Significance.

CHEO Genetics Diagnostic Laboratory, Children's Hospital of Eastern Ontario
Classification: Uncertain significance for Cardiomyopathy. Last evaluated: 2020-04-21. Review status: criteria provided, single submitter. Criteria: ACMG Guidelines, 2015. Collection method: clinical testing. Allele origin: germline.